The following is an entry in ClinVar:

ClinVar aggregate classification (germline): Likely benign (1 of 4 stars; one submission).

Allele frequency attached by ClinVar (database versions not stated): gnomAD exomes below 0.00001.
gnomAD v4.1: 2 of 1,566,174 alleles (0.00013%); highest among the groups gnomAD compares: Non-Finnish European, 0.00018%; no homozygotes.

Submission:

GeneDx
Classification: Likely benign. Last evaluated: 2020-05-19. Review status: criteria provided, single submitter. Criteria: GeneDx Variant Classification Process June 2021. Collection method: clinical testing. Allele origin: germline. Affected: yes.
Comment: In silico analysis supports that this missense variant does not alter protein structure/function; Has not been previously published as pathogenic or benign to our knowledge

NM_017934.7(PHIP):c.2304A>G (p.Ile768Met)

Gene: PHIP (PHIP subunit of CUL4-Ring ligase complex; minus strand). Cytogenetic location: 6q14.1.
Variant type: single nucleotide variant.
Coding change: c.2304A>G on transcript NM_017934.7 (MANE Select); coding-DNA position 2304, A replaced by G.
Protein change: p.Ile768Met; replaces isoleucine 768 with methionine.
Molecular consequence: missense variant.
Genome position (GRCh38, 1-based): chr6:78,990,883, T>C on the plus strand (A>G on the coding strand, the complement: PHIP is on the minus strand). VCF-style: chr6-78990883-T-C. GRCh37 (hg19) VCF-style: chr6-79700600-T-C.
Other names: short protein forms I768M.
Identifiers: ClinVar variation 423438 (VCV000423438.3), dbSNP rs1064796425, ClinGen allele CA16618330.
Genomic context (GRCh38, chr6:78,990,883, plus strand): 5'-ATACTTAAGAAGCAAATATTAAACATCAAAATAATTAATATGTACCTTTGAGACAGTGGG[T>C]ATTTTATTCTCTTTTGGAACAGTTAAGTGTTTTCTTTTCTCTTCTGACCTGTAAGTCTTT-3'
Protein context (NP_060404.4, residues 758-778): KHLTVPKENK[Ile768Met]PTVSKNHAHE